The following is an entry in ClinVar:

ClinVar aggregate classification (germline): Pathogenic (1 of 4 stars; one submission).

Conditions:
ZIC3-related disorder. Also called: ZIC3-related condition; ZIC3-Related Disorders.

Submission:

Women's Health and Genetics/Laboratory Corporation of America, LabCorp
Classification: Pathogenic for ZIC3-Related Disorders. Last evaluated: 2025-07-10. Review status: criteria provided, single submitter. Criteria: LabCorp Variant Classification Summary - May 2015. Collection method: clinical testing. Allele origin: germline.
Comment: Variant summary: ZIC3 c.312C>A (p.Tyr104X) results in a premature termination codon, predicted to cause a truncation of the encoded protein or absence of the protein due to nonsense mediated decay, which are commonly known mechanisms for disease. The variant was absent in 106710 control chromosomes. To our knowledge, no occurrence of c.312C>A in individuals affected with ZIC3-Related Disorders and no experimental evidence demonstrating its impact on protein function have been reported. No submitters have cited clinical-significance assessments for this variant to ClinVar. Based on the evidence outlined above, the variant was classified as pathogenic.

NM_003413.4(ZIC3):c.312C>A (p.Tyr104Ter)

Gene: ZIC3 (Zic family zinc finger 3; plus strand). Cytogenetic location: Xq26.3.
Variant type: single nucleotide variant.
Coding change: c.312C>A on transcript NM_003413.4 (MANE Select); coding-DNA position 312, C replaced by A.
Protein change: p.Tyr104Ter; replaces tyrosine 104 with a stop codon.
Molecular consequence: nonsense.
Genome position (GRCh38, 1-based): chrX:137,567,003, C>A. VCF-style: chrX-137567003-C-A. GRCh37 (hg19) VCF-style: chrX-136649162-C-A.
Other names: c.312C>A, p.Tyr104Ter (NM_001330661.1); short protein forms Y104*.
Identifiers: ClinVar variation 4526004 (VCV004526004.1).